The following is an entry in ClinVar:

NM_022489.4(INF2):c.290T>G (p.Leu97Arg)

Gene: INF2 (inverted formin 2; plus strand). Cytogenetic location: 14q32.33.
Variant type: single nucleotide variant.
Coding change: c.290T>G on transcript NM_022489.4 (MANE Select); coding-DNA position 290, T replaced by G.
Protein change: p.Leu97Arg; replaces leucine 97 with arginine.
Molecular consequence: missense variant.
Genome position (GRCh38, 1-based): chr14:104,701,655, T>G. VCF-style: chr14-104701655-T-G. GRCh37 (hg19) VCF-style: chr14-105167992-T-G.
Other names: c.290T>G, p.Leu97Arg (NM_001031714.4, NM_001426862.1, NM_001426863.1 and 6 more transcripts); short protein forms L97R.
Identifiers: ClinVar variation 2953912 (VCV002953912.3), dbSNP rs1458892001, ClinGen allele CA391225781.

ClinVar aggregate classification (germline): Uncertain significance (1 of 4 stars; one submission).

Conditions:
Charcot-Marie-Tooth disease dominant intermediate E. Also called: CHARCOT-MARIE-TOOTH NEUROPATHY WITH FOCAL SEGMENTAL GLOMERULONEPHRITIS. Identifiers: Orphanet 93114, MedGen C4302667, MONDO:0013758, OMIM 614455.
Focal segmental glomerulosclerosis 5 (FSGS5). Identifiers: Orphanet 656, MedGen C2750475, MONDO:0013191, OMIM 613237.

Submission:

Labcorp Genetics (formerly Invitae), Labcorp
Classification: Uncertain significance for Charcot-Marie-Tooth disease dominant intermediate E; Focal segmental glomerulosclerosis 5. Last evaluated: 2023-11-15. Review status: criteria provided, single submitter. Criteria: Invitae Variant Classification Sherloc (09022015). Collection method: clinical testing. Allele origin: germline.
Comment: This sequence change replaces leucine, which is neutral and non-polar, with arginine, which is basic and polar, at codon 97 of the INF2 protein (p.Leu97Arg). This variant is not present in population databases (gnomAD no frequency). This variant has not been reported in the literature in individuals affected with INF2-related conditions. Advanced modeling of protein sequence and biophysical properties (such as structural, functional, and spatial information, amino acid conservation, physicochemical variation, residue mobility, and thermodynamic stability) performed at Invitae indicates that this missense variant is expected to disrupt INF2 protein function with a positive predictive value of 80%. In summary, the available evidence is currently insufficient to determine the role of this variant in disease. Therefore, it has been classified as a Variant of Uncertain Significance.